The following is an entry in ClinVar:

ClinVar aggregate classification (germline): Uncertain significance (1 of 4 stars; one submission).

Conditions:
Dyskeratosis congenita, autosomal recessive 6 (DKCB6). Identifiers: MedGen C4225356, MONDO:0014600, OMIM 616353.
Pulmonary fibrosis and/or bone marrow failure, Telomere-related, 4. Also called: PULMONARY FIBROSIS AND/OR BONE MARROW FAILURE SYNDROME, TELOMERE-RELATED, 4. Identifiers: Orphanet 2032, MedGen C4225347, MONDO:0014612, OMIM 616371.

Submission:

Labcorp Genetics (formerly Invitae), Labcorp
Classification: Uncertain significance for Dyskeratosis congenita, autosomal recessive 6; Pulmonary fibrosis and/or bone marrow failure, Telomere-related, 4. Last evaluated: 2024-04-15. Review status: criteria provided, single submitter. Criteria: Invitae Variant Classification Sherloc (09022015). Collection method: clinical testing. Allele origin: germline.
Comment: This sequence change replaces valine, which is neutral and non-polar, with glycine, which is neutral and non-polar, at codon 184 of the PARN protein (p.Val184Gly). This variant is not present in population databases (gnomAD no frequency). This variant has not been reported in the literature in individuals affected with PARN-related conditions. Advanced modeling of protein sequence and biophysical properties (such as structural, functional, and spatial information, amino acid conservation, physicochemical variation, residue mobility, and thermodynamic stability) performed at Invitae indicates that this missense variant is expected to disrupt PARN protein function with a positive predictive value of 80%. In summary, the available evidence is currently insufficient to determine the role of this variant in disease. Therefore, it has been classified as a Variant of Uncertain Significance.

NM_002582.4(PARN):c.551T>G (p.Val184Gly)

Gene: PARN (poly(A)-specific ribonuclease; minus strand). Cytogenetic location: 16p13.12.
Variant type: single nucleotide variant.
Coding change: c.551T>G on transcript NM_002582.4 (MANE Select); coding-DNA position 551, T replaced by G.
Protein change: p.Val184Gly; replaces valine 184 with glycine.
Molecular consequence: missense variant.
Genome position (GRCh38, 1-based): chr16:14,610,647, A>C on the plus strand (T>G on the coding strand, the complement: PARN is on the minus strand). VCF-style: chr16-14610647-A-C. GRCh37 (hg19) VCF-style: chr16-14704504-A-C.
Other names: c.368T>G, p.Val123Gly (NM_001134477.3); c.413T>G, p.Val138Gly (NM_001242992.2); short protein forms V184G, V123G, V138G.
Identifiers: ClinVar variation 2941297 (VCV002941297.3), dbSNP rs2508389452, ClinGen allele CA394809980.